The following is an entry in ClinVar:

NM_032578.4(MYPN):c.2440C>A (p.Pro814Thr)

Gene: MYPN (myopalladin; plus strand). Cytogenetic location: 10q21.3.
Variant type: single nucleotide variant.
Coding change: c.2440C>A on transcript NM_032578.4 (MANE Select); coding-DNA position 2440, C replaced by A.
Protein change: p.Pro814Thr; replaces proline 814 with threonine.
Molecular consequence: missense variant. On other transcripts: non-coding transcript variant (2).
Genome position (GRCh38, 1-based): chr10:68,174,532, C>A. VCF-style: chr10-68174532-C-A. GRCh37 (hg19) VCF-style: chr10-69934289-C-A.
Other names: c.2440C>A, p.Pro814Thr (NM_001256267.2); c.1558C>A, p.Pro520Thr (NM_001256268.2); short protein forms P814T, P520T.
Identifiers: ClinVar variation 1511115 (VCV001511115.8), dbSNP rs2134201155, ClinGen allele CA376847481.

ClinVar aggregate classification (germline): Uncertain significance (1 of 4 stars; one submission).

Conditions:
Dilated cardiomyopathy 1KK (CMD1KK). Identifiers: Orphanet 154, Orphanet 75249, MedGen C3714995, MONDO:0014100, OMIM 615248.

Submission:

Labcorp Genetics (formerly Invitae), Labcorp
Classification: Uncertain significance for Dilated cardiomyopathy 1KK. Last evaluated: 2021-06-24. Review status: criteria provided, single submitter. Criteria: Invitae Variant Classification Sherloc (09022015). Collection method: clinical testing. Allele origin: germline.
Comment: This sequence change replaces proline with threonine at codon 814 of the MYPN protein (p.Pro814Thr). The proline residue is highly conserved and there is a small physicochemical difference between proline and threonine. In summary, the available evidence is currently insufficient to determine the role of this variant in disease. Therefore, it has been classified as a Variant of Uncertain Significance. Algorithms developed to predict the effect of missense changes on protein structure and function are either unavailable or do not agree on the potential impact of this missense change (SIFT: "Tolerated"; PolyPhen-2: "Possibly Damaging"; Align-GVGD: "Class C0"). This variant has not been reported in the literature in individuals with MYPN-related conditions. This variant is not present in population databases (ExAC no frequency).